The following is an entry in ClinVar:

NM_001365999.1(SZT2):c.245T>C (p.Val82Ala)

Gene: SZT2 (SZT2 subunit of KICSTOR complex; plus strand). Cytogenetic location: 1p34.2.
Variant type: single nucleotide variant.
Coding change: c.245T>C on transcript NM_001365999.1 (MANE Select); coding-DNA position 245, T replaced by C.
Protein change: p.Val82Ala; replaces valine 82 with alanine.
Molecular consequence: missense variant.
Genome position (GRCh38, 1-based): chr1:43,403,692, T>C. VCF-style: chr1-43403692-T-C. GRCh37 (hg19) VCF-style: chr1-43869363-T-C.
Other names: c.245T>C, p.Val82Ala (NM_015284.4); short protein forms V82A.
Identifiers: ClinVar variation 1013734 (VCV001013734.10), dbSNP rs1274088465, ClinGen allele CA339996141.
Genomic context (GRCh38, chr1:43,403,692, plus strand): 5'-GTGTCCTGCCCCCTGGGTGGCAGCCAGATGAACCAGTGGTCCCAAGGCCATTCCTCCTGG[T>C]ACCTTCCACCCGGGTCACCTTCCTGGCTTGGCAGTATCGGTTTGTCATTGAGTTGGACCT-3'
Protein context (NP_001352928.1, residues 72-92): EPVVPRPFLL[Val82Ala]PSTRVTFLAW

ClinVar aggregate classification (germline): Uncertain significance. Review status: criteria provided, multiple submitters, no conflicts (2 of 4 stars). 4 submissions from 4 submitters: Uncertain significance (4). Last evaluated 2023-08-24.

Conditions:
Developmental and epileptic encephalopathy, 18 (DEE18). Also called: Early infantile epileptic encephalopathy 18. Identifiers: Orphanet 369894, MedGen C3809624, MONDO:0014201, OMIM 615476.
Inborn genetic diseases. Identifiers: MedGen C0950123, MeSH D030342.

Allele frequency attached by ClinVar (database versions not stated): gnomAD exomes 0.00001 and 0.00004; gnomAD 0.00004.

Submissions (4):

Labcorp Genetics (formerly Invitae), Labcorp
Classification: Uncertain significance. Last evaluated: 2023-08-24. Review status: criteria provided, single submitter. Criteria: Invitae Variant Classification Sherloc (09022015). Collection method: clinical testing. Allele origin: germline.
Comment: This sequence change replaces valine, which is neutral and non-polar, with alanine, which is neutral and non-polar, at codon 82 of the SZT2 protein (p.Val82Ala). This variant is present in population databases (no rsID available, gnomAD 0.002%). This variant has not been reported in the literature in individuals affected with SZT2-related conditions. ClinVar contains an entry for this variant (Variation ID: 1013734). Advanced modeling of protein sequence and biophysical properties (such as structural, functional, and spatial information, amino acid conservation, physicochemical variation, residue mobility, and thermodynamic stability) performed at Invitae indicates that this missense variant is not expected to disrupt SZT2 protein function. In summary, the available evidence is currently insufficient to determine the role of this variant in disease. Therefore, it has been classified as a Variant of Uncertain Significance.

Genome-Nilou Lab
Classification: Uncertain significance for Developmental and epileptic encephalopathy, 18. Last evaluated: 2023-04-11. Review status: criteria provided, single submitter. Criteria: ACMG Guidelines, 2015. Collection method: clinical testing. Allele origin: germline. Affected: no.

Ambry Genetics
Classification: Uncertain significance for Inborn genetic diseases. Last evaluated: 2021-08-10. Review status: criteria provided, single submitter. Criteria: Ambry Variant Classification Scheme 2023. Collection method: clinical testing. Allele origin: germline.

GeneDx
Classification: Uncertain significance. Last evaluated: 2019-05-02. Review status: criteria provided, single submitter. Criteria: GeneDx Variant Classification Process June 2021. Collection method: clinical testing. Allele origin: germline. Affected: yes.
Comment: Not observed at a significant frequency in large population cohorts (Lek et al., 2016); In silico analysis, which includes protein predictors and evolutionary conservation, supports that this variant does not alter protein structure/function; Has not been previously published as pathogenic or benign to our knowledge